The following is an entry in ClinVar:

NM_006005.3(WFS1):c.1768A>T (p.Thr590Ser)

Gene: WFS1 (wolframin ER transmembrane glycoprotein; plus strand). Cytogenetic location: 4p16.1.
Variant type: single nucleotide variant.
Coding change: c.1768A>T on transcript NM_006005.3 (MANE Select); coding-DNA position 1768, A replaced by T.
Protein change: p.Thr590Ser; replaces threonine 590 with serine.
Molecular consequence: missense variant.
Genome position (GRCh38, 1-based): chr4:6,301,563, A>T. VCF-style: chr4-6301563-A-T. GRCh37 (hg19) VCF-style: chr4-6303290-A-T.
Other names: c.1768A>T, p.Thr590Ser (NM_001145853.1); short protein forms T590S.
Identifiers: ClinVar variation 1509496 (VCV001509496.4), dbSNP rs1730917746, ClinGen allele CA356176801.

ClinVar aggregate classification (germline): Uncertain significance (1 of 4 stars; one submission).

Allele frequency attached by ClinVar (database versions not stated): TOPMed below 0.00001.

Submission:

Labcorp Genetics (formerly Invitae), Labcorp
Classification: Uncertain significance. Last evaluated: 2023-01-07. Review status: criteria provided, single submitter. Criteria: Invitae Variant Classification Sherloc (09022015). Collection method: clinical testing. Allele origin: germline.
Comment: This variant is not present in population databases (gnomAD no frequency). In summary, the available evidence is currently insufficient to determine the role of this variant in disease. Therefore, it has been classified as a Variant of Uncertain Significance. Advanced modeling of protein sequence and biophysical properties (such as structural, functional, and spatial information, amino acid conservation, physicochemical variation, residue mobility, and thermodynamic stability) performed at Invitae indicates that this missense variant is not expected to disrupt WFS1 protein function. ClinVar contains an entry for this variant (Variation ID: 1509496). This variant has not been reported in the literature in individuals affected with WFS1-related conditions. This sequence change replaces threonine, which is neutral and polar, with serine, which is neutral and polar, at codon 590 of the WFS1 protein (p.Thr590Ser).